The following is an entry in ClinVar:

NM_058246.4(DNAJB6):c.832G>C (p.Glu278Gln)

Gene: DNAJB6 (DnaJ heat shock protein family (Hsp40) member B6; plus strand). Cytogenetic location: 7q36.3.
Variant type: single nucleotide variant.
Coding change: c.832G>C on transcript NM_058246.4 (MANE Select); coding-DNA position 832, G replaced by C.
Protein change: p.Glu278Gln; replaces glutamic acid 278 with glutamine.
Molecular consequence: missense variant.
Genome position (GRCh38, 1-based): chr7:157,409,935, G>C. VCF-style: chr7-157409935-G-C. GRCh37 (hg19) VCF-style: chr7-157202629-G-C.
Other names: c.487G>C, p.Glu163Gln (NM_001363676.1); short protein forms E278Q, E163Q.
Identifiers: ClinVar variation 288406 (VCV000288406.13), dbSNP rs886043886, ClinGen allele CA10606075.

ClinVar aggregate classification (germline): Uncertain significance. Review status: criteria provided, multiple submitters, no conflicts (2 of 4 stars). 2 submissions from 2 submitters: Uncertain significance (2). Last evaluated 2022-02-04.

Conditions:
Autosomal dominant limb-girdle muscular dystrophy type 1D (DNAJB6) (LGMDD1). Also called: MUSCULAR DYSTROPHY, LIMB-GIRDLE, TYPE 1D; MUSCULAR DYSTROPHY, AUTOSOMAL DOMINANT, WITH RIMMED VACUOLES; Autosomal dominant limb-girdle muscular dystrophy type 1D; Muscular dystrophy, limb-girdle, autosomal dominant 1. Identifiers: Orphanet 34516, MedGen C4721885, MONDO:0021018, OMIM 603511.

Allele frequency attached by ClinVar (database versions not stated): gnomAD exomes 0.00001 and 0.00006; TOPMed 0.00002; gnomAD 0.00005 and 0.00006.
gnomAD v4.1: 85 of 1,536,490 alleles (0.0055%); highest among the groups gnomAD compares: Non-Finnish European, 0.007%; no homozygotes.

Submissions (2):

Labcorp Genetics (formerly Invitae), Labcorp
Classification: Uncertain significance for Autosomal dominant limb-girdle muscular dystrophy type 1D (DNAJB6). Last evaluated: 2022-02-04. Review status: criteria provided, single submitter. Criteria: Invitae Variant Classification Sherloc (09022015). Collection method: clinical testing. Allele origin: germline.
Comment: This missense change has been observed in individual(s) with a clinical suspicion of limb-girdle muscular dystrophy (PMID: 30564623). This variant is present in population databases (no rsID available, gnomAD 0.004%). This sequence change replaces glutamic acid, which is acidic and polar, with glutamine, which is neutral and polar, at codon 278 of the DNAJB6 protein (p.Glu278Gln). ClinVar contains an entry for this variant (Variation ID: 288406). In summary, the available evidence is currently insufficient to determine the role of this variant in disease. Therefore, it has been classified as a Variant of Uncertain Significance. Algorithms developed to predict the effect of sequence changes on RNA splicing suggest that this variant may create or strengthen a splice site. Algorithms developed to predict the effect of missense changes on protein structure and function are either unavailable or do not agree on the potential impact of this missense change (SIFT: "Tolerated"; PolyPhen-2: "Not Available"; Align-GVGD: "Class C0").

Eurofins Ntd Llc (ga)
Classification: Uncertain significance. Last evaluated: 2018-01-24. Review status: criteria provided, single submitter. Criteria: EGL Classification Definitions 2015. Collection method: clinical testing. Allele origin: germline. Observed: 2 variant alleles, 2 heterozygotes.

Literature cited by the submitters: PubMed 30564623 (cited by Labcorp Genetics (formerly Invitae), Labcorp).